The following is an entry in ClinVar:

ClinVar aggregate classification (germline): Uncertain significance. Review status: reviewed by expert panel (3 of 4 stars). 22 submissions from 21 submitters: Uncertain significance (1). 21 of the submissions do not count toward it. Last evaluated 2025-08-01.

Conditions:
Congenital multicore myopathy with external ophthalmoplegia (CMYO1B). Also called: Congenital myopathy 1B, autosomal recessive; Minicore myopathy; MULTICORE MYOPATHY; Minicore myopathy with external ophthalmoplegia; MULTIMINICORE DISEASE WITH EXTERNAL OPHTHALMOPLEGIA. Identifiers: Orphanet 598, Orphanet 98905, MedGen C1850674, MONDO:0009712, OMIM 255320, HP:0003789.
Central core myopathy (CMYO1A). Also called: Central core disease; Myopathy, central fibrillar; CONGENITAL MYOPATHY 1A, AUTOSOMAL DOMINANT, WITH SUSCEPTIBILITY TO MALIGNANT HYPERTHERMIA. Identifiers: Orphanet 597, MedGen C5830701, MONDO:0007294, OMIM 117000.
Malignant hyperthermia, susceptibility to, 1 (MHS1). Also called: Anesthesia related hyperthermia; Malignant hyperpyrexia; Fulminating hyperpyrexia; Pharmacogenic myopathy; RYR1-Related Malignant Hyperthermia Susceptibility; Malignant hyperthermia suceptibility 1. Identifiers: Orphanet 423, MedGen C2930980, MONDO:0007783, OMIM 145600.
King Denborough syndrome (KDS). Identifiers: MedGen C1840365, MONDO:0020485, OMIM 619542.
RYR1-related disorder. Also called: RYR1-related condition; RYR1-related disorders. Identifiers: MedGen CN239331.
Congenital myopathy with fiber type disproportion. Also called: Congenital fiber-type disproportion myopathy; Congenital fiber-type disproportion. Identifiers: Orphanet 2020, MedGen C0546264, MONDO:0009711. Inheritance: all.
Congenital myopathy. Identifiers: Orphanet 97245, MedGen C0270960, MONDO:0019952.
Abnormality of the musculature. Identifiers: MedGen C4021745, HP:0003011.

Allele frequency attached by ClinVar (database versions not stated): gnomAD exomes 0.00002 and 0.00004; gnomAD 0.00004; TOPMed 0.00004; 1000 Genomes Project 30x 0.00016; 1000 Genomes Project 0.00020; ExAC 0.00002.
gnomAD v4.1: 43 of 1,613,192 alleles (0.0027%); highest among the groups gnomAD compares: South Asian, 0.0033%; no homozygotes.

Submissions 1 to 6 of 22:

ClinGen Malignant Hyperthermia Susceptibility Variant Curation Expert Panel, ClinGen
Classification: Uncertain significance for Malignant hyperthermia, susceptibility to, 1. Last evaluated: 2025-08-01. Review status: reviewed by expert panel. Criteria: ClinGen MHS ACMG Specifications V2. Collection method: curation. Allele origin: germline. Inheritance: Autosomal dominant inheritance.
Comment: This pathogenicity assessment is relevant only for malignant hyperthermia susceptibility (MHS) inherited in an autosomal dominant pattern. Variants in RYR1 can also cause other myopathies inherited in an autosomal dominant pattern or in an autosomal recessive pattern. Some of these disorders may predispose individuals to malignant hyperthermia. RYR1 variants may also contribute to a malignant hyperthermia reaction in combination with other genetic and non-genetic factors and the clinician needs to consider such factors in making management decisions. This sequence variant predicts a substitution of threonine with methionine at codon 4709 of the RYR1 protein, p.(Thr4709Met). The maximum allele frequency for this variant among the six major gnomAD populations is SAS: 0.00003, a frequency consistent with pathogenicity for MHS. This variant has been reported in individuals with recessive myopathies (PMID:17033962, PMID:21062345, PMID:22473935). A knock-in mouse model does not demonstrate a response to isoflurane in the heterozygous state, this is considered evidence against pathogenicity for autosomal dominantly inherited MH, BS_Supporting (PMID:31107960). This variant resides in a region of RYR1 considered to be a hotspot for pathogenic variants that contribute to MHS, PM1_Sup (PMID: 21118704). A REVEL score >0.85 (0.901) supports a pathogenic status for this variant, PP3_Moderate. This variant has been classified as a Variant of Unknown Significance. Criteria implemented: PM1_Supporting, PP3_Moderate, BS3_Supporting.

CeGaT Center for Human Genetics Tuebingen
Classification: Pathogenic. Last evaluated: 2026-09-01. Review status: criteria provided, single submitter. Criteria: CeGaT Center For Human Genetics Tuebingen Variant Classification Criteria Version 2. Collection method: clinical testing. Allele origin: germline. Affected: yes. Observed: 2 variant alleles. Not counted in ClinVar's aggregate classification.
Comment: RYR1: PM3:Very Strong, PM2, PP3, PS3:Supporting

GeneDx
Classification: Pathogenic. Last evaluated: 2026-07-15. Review status: criteria provided, single submitter. Criteria: GeneDx Variant Classification Process June 2021. Collection method: clinical testing. Allele origin: germline. Not counted in ClinVar's aggregate classification.
Comment: Reported as a putative dominant variant in a patient with features of an RYR1-related myopathy, who also had other variants in the RYR1 gene, without clear segregation information (PMID: 22473935, 17483490); In silico analysis supports that this missense variant has a deleterious effect on protein structure/function; This variant is associated with the following publications: (PMID: 26332594, 23919265, 26633545, 30611313, 17033962, 32403337, 31980526, 33087929, 35361824, 32236737, 21062345, 31107960, 22473935, 37670077, 17483490, 20681998, 33767344, 30155738, 29172004, 41646366, Godbout2025[Preprint], 38374194, 38968056, 40273816, 42398094, 41753076, 41270518, 41459639, 41392983)

Labcorp Genetics (formerly Invitae), Labcorp
Classification: Pathogenic for RYR1-related disorder. Last evaluated: 2025-12-01. Review status: criteria provided, single submitter. Criteria: Invitae Variant Classification Sherloc (09022015). Collection method: clinical testing. Allele origin: germline. Not counted in ClinVar's aggregate classification.
Comment: This sequence change replaces threonine, which is neutral and polar, with methionine, which is neutral and non-polar, at codon 4709 of the RYR1 protein (p.Thr4709Met). This variant is present in population databases (rs118192140, gnomAD 0.09%). This missense change has been observed in individuals with autosomal recessive congenital myopathy (PMID: 17483490, 23919265, 31055738; internal data). ClinVar contains an entry for this variant (Variation ID: 65996). Invitae Evidence Modeling of protein sequence and biophysical properties (such as structural, functional, and spatial information, amino acid conservation, physicochemical variation, residue mobility, and thermodynamic stability) has been performed for this missense variant. However, the output from this modeling did not meet the statistical confidence thresholds required to predict the impact of this variant on RYR1 protein function. Experimental studies have shown that this missense change affects RYR1 function (PMID: 1743490). For these reasons, this variant has been classified as Pathogenic.

PreventionGenetics, part of Exact Sciences
Classification: Pathogenic for RYR1-related condition. Last evaluated: 2025-10-24. Review status: criteria provided, single submitter. Criteria: ACMG Guidelines, 2015. Collection method: clinical testing. Allele origin: germline. Not counted in ClinVar's aggregate classification.
Comment: The RYR1 c.14126C>T variant is predicted to result in the amino acid substitution p.Thr4709Met. This variant has been reported in the compound heterozygous state in individuals with congenital myopathy (Bevilacqua et al. 2011. PubMed ID: 21062345; Table S1, Amburgey et al. 2013. PubMed ID: 23919265; Garibaldi et al. 2019. PubMed ID: 30611313). It has also been reported in the heterozygous state along with a presumable second non-transcribed allele in an individual with congenital myopathy, supported by monoallelic expression of the p.Thr4709Met variant in skeletal muscle biopsy studies (Zhou et al. 2007. PubMed ID: 17483490). At PreventionGenetics, we have identified this variant in the homozygous and compound heterozygous states in additional individuals with congenital myopathy (internal data). Mouse models which were homozygous and compound heterozygous for this variant recapitulated congenital myopathy phenotypes (Brennan et al. 2019. PubMed ID: 31107960; Magyar et al. 2023. PubMed ID: 37670077), while there was no significant difference in sensitivity to isoflurane between controls and mice heterozygous for this variant (Brennan et al. 2019. PubMed ID: 31107960). This variant is reported in 0.087% of alleles in individuals of Ashkenazi Jewish descent in gnomAD and is interpreted as uncertain significance by ClinGen malignant hyperthermia susceptibility variant curation expert panel (Variation ID: 65996). Taken together, this variant is interpreted as pathogenic for autosomal recessive congenital myopathy; however, it is uncertain if this variant conveys susceptibility to malignant hyperthermia.

Women's Health and Genetics/Laboratory Corporation of America, LabCorp
Classification: Pathogenic for Congenital multicore myopathy with external ophthalmoplegia. Last evaluated: 2025-06-16. Review status: criteria provided, single submitter. Criteria: LabCorp Variant Classification Summary - May 2015. Collection method: clinical testing. Allele origin: germline. Not counted in ClinVar's aggregate classification.
Comment: Variant summary: RYR1 c.14126C>T (p.Thr4709Met) results in a non-conservative amino acid change in the encoded protein sequence. Algorithms developed to predict the effect of missense changes on protein structure and function all suggest that this variant is likely to be disruptive. The variant allele was found at a frequency of 4.4e-05 in 249700 control chromosomes (gnomAD). This frequency is not significantly higher than estimated for a pathogenic variant in RYR1 causing Congenital multicore myopathy with external ophthalmoplegia (4.4e-05 vs 0.0011), allowing no conclusion about variant significance. c.14126C>T has been observed in multiple individuals affected with clinical features of Congenital multicore myopathy with external ophthalmoplegia (Congenital myopathy 1B, autosomal recessive) (Bevilacqua_2011, Amburgey_2013, Garibaldi_2019, Gonzalez-Quereda_2020, Kushnir_2020). These data indicate that the variant is very likely to be associated with disease. Multiple publications report experimental evidence evaluating an impact on protein function and this variant affected the RYR1 protein function (Zhou_2007, Brennan_2019, Magyar_2023). The following publications have been ascertained in the context of this evaluation (PMID: 17033962, 17483490, 37670077, 23919265, 31107960, 21062345, 30611313, 32403337, 32236737). ClinVar contains an entry for this variant (Variation ID: 65996). Based on the evidence outlined above, the variant was classified as pathogenic for Congenital multicore myopathy with external ophthalmoplegia.

NM_000540.3(RYR1):c.14126C>T (p.Thr4709Met)

Gene: RYR1 (ryanodine receptor 1; plus strand). Cytogenetic location: 19q13.2.
Variant type: single nucleotide variant.
Coding change: c.14126C>T on transcript NM_000540.3 (MANE Select); coding-DNA position 14126, C replaced by T.
Protein change: p.Thr4709Met; replaces threonine 4709 with methionine.
Molecular consequence: missense variant.
Genome position (GRCh38, 1-based): chr19:38,573,304, C>T. VCF-style: chr19-38573304-C-T. GRCh37 (hg19) VCF-style: chr19-39063944-C-T.
Other names: NM_000540.3(RYR1):c.14126C>T; c.14111C>T, p.Thr4704Met (NM_001042723.2); short protein forms T4709M, T4704M.
Identifiers: ClinVar variation 65996 (VCV000065996.61), dbSNP rs118192140, ClinGen allele CA024104.